The following is an entry in ClinVar:

NM_000318.3(PEX2):c.*137C>G

Gene: PEX2 (peroxisomal biogenesis factor 2; minus strand). Cytogenetic location: 8q21.13.
Variant type: single nucleotide variant.
Coding change: c.*137C>G on transcript NM_000318.3 (MANE Select); 137 bases downstream of the stop codon, C replaced by G.
Molecular consequence: 3 prime UTR variant.
Genome position (GRCh38, 1-based): chr8:76,983,124, G>C on the plus strand (C>G on the coding strand, the complement: PEX2 is on the minus strand). VCF-style: chr8-76983124-G-C. GRCh37 (hg19) VCF-style: chr8-77895360-G-C.
Other names: c.*137C>G (NM_001079867.2, NM_001172086.2, NM_001172087.2).
Identifiers: ClinVar variation 1697995 (VCV001697995.3), dbSNP rs113776305, ClinGen allele CA179988238.
Genomic context (GRCh38, chr8:76,983,124, plus strand): 5'-AATACATTAACATTTACATAATATATTTAGAATCACATGGTTTCCAGTGATTAGATTTCA[G>C]TCATGCCTGGAAAGGAGAAGACAGTGGCTAGGAGCACATTCCTTATAAAGGATACATAAA-3'

ClinVar aggregate classification (germline): Likely benign. Review status: criteria provided, multiple submitters, no conflicts (2 of 4 stars). 2 submissions from 2 submitters: Likely benign (2). Last evaluated 2020-03-16.

Allele frequency attached by ClinVar (database versions not stated): gnomAD exomes 0.00211; gnomAD 0.00737 and 0.00783; TOPMed 0.00805; 1000 Genomes Project 0.01338; 1000 Genomes Project 30x 0.01437.

Submissions (2):

Blueprint Genetics
Classification: Likely benign. Last evaluated: 2020-03-16. Review status: criteria provided, single submitter. Criteria: ACMG Guidelines, 2015. Collection method: clinical testing. Allele origin: germline.

GeneDx
Classification: Likely benign. Last evaluated: 2018-12-17. Review status: criteria provided, single submitter. Criteria: GeneDx Variant Classification Process June 2021. Collection method: clinical testing. Allele origin: germline. Affected: yes.
Comment: See Variant Classification Assertion Criteria.